The following is an entry in ClinVar:

ClinVar aggregate classification (germline): Uncertain significance (1 of 4 stars; one submission).

Conditions:
Charcot-Marie-Tooth disease dominant intermediate C (CMTDIC). Also called: CHARCOT-MARIE-TOOTH NEUROPATHY, DOMINANT INTERMEDIATE C. Identifiers: Orphanet 100045, MedGen C1842237, MONDO:0012012, OMIM 608323.

Submission:

Labcorp Genetics (formerly Invitae), Labcorp
Classification: Uncertain significance for Charcot-Marie-Tooth disease dominant intermediate C. Last evaluated: 2024-09-01. Review status: criteria provided, single submitter. Criteria: Invitae Variant Classification Sherloc (09022015). Collection method: clinical testing. Allele origin: germline.
Comment: This sequence change replaces asparagine, which is neutral and polar, with lysine, which is basic and polar, at codon 82 of the YARS protein (p.Asn82Lys). This variant is not present in population databases (gnomAD no frequency). This variant has not been reported in the literature in individuals affected with YARS-related conditions. Invitae Evidence Modeling of protein sequence and biophysical properties (such as structural, functional, and spatial information, amino acid conservation, physicochemical variation, residue mobility, and thermodynamic stability) indicates that this missense variant is expected to disrupt YARS protein function with a positive predictive value of 80%. In summary, the available evidence is currently insufficient to determine the role of this variant in disease. Therefore, it has been classified as a Variant of Uncertain Significance.

NM_003680.4(YARS1):c.246C>G (p.Asn82Lys)

Gene: YARS1 (tyrosyl-tRNA synthetase 1; minus strand). Cytogenetic location: 1p35.1.
Variant type: single nucleotide variant.
Coding change: c.246C>G on transcript NM_003680.4 (MANE Select); coding-DNA position 246, C replaced by G.
Protein change: p.Asn82Lys; replaces asparagine 82 with lysine.
Molecular consequence: missense variant.
Genome position (GRCh38, 1-based): chr1:32,810,725, G>C on the plus strand (C>G on the coding strand, the complement: YARS1 is on the minus strand). VCF-style: chr1-32810725-G-C. GRCh37 (hg19) VCF-style: chr1-33276326-G-C.
Other names: short protein forms N82K.
Identifiers: ClinVar variation 3664147 (VCV003664147.2).